The following is an entry in ClinVar:

NM_004239.4(TRIP11):c.3671G>A (p.Trp1224Ter)

Gene: TRIP11 (thyroid hormone receptor interactor 11; minus strand). Cytogenetic location: 14q32.12.
Variant type: single nucleotide variant.
Coding change: c.3671G>A on transcript NM_004239.4 (MANE Select); coding-DNA position 3671, G replaced by A.
Protein change: p.Trp1224Ter; replaces tryptophan 1224 with a stop codon.
Molecular consequence: nonsense.
Genome position (GRCh38, 1-based): chr14:92,004,305, C>T on the plus strand (G>A on the coding strand, the complement: TRIP11 is on the minus strand). VCF-style: chr14-92004305-C-T. GRCh37 (hg19) VCF-style: chr14-92470649-C-T.
Other names: c.3668G>A, p.Trp1223Ter (NM_001321851.1); short protein forms W1223*, W1224*.
Identifiers: ClinVar variation 692167 (VCV000692167.3), dbSNP rs776935608, ClinGen allele CA7313593.
Genomic context (GRCh38, chr14:92,004,305, plus strand): 5'-TCCTGAAGCTGGGCTGACTCGTGTTGCATATTTTGTACTGTGGTCATCACCTGCTGCTTC[C>T]ACTCTTCCATTTTCTTTACTTGCTGTTTTAACTTGTCACGTTCCTGTAGAAGCTCCTCAA-3'

ClinVar aggregate classification (germline): Pathogenic. Review status: criteria provided, multiple submitters, no conflicts (2 of 4 stars). 3 submissions from 3 submitters: Pathogenic (2). 1 of the submissions does not count toward it. Last evaluated 2023-03-14.

Conditions:
Achondrogenesis, type IA (ACG1A). Identifiers: Orphanet 932, Orphanet 93299, MedGen C0265273, MONDO:0008701, OMIM 200600.

Allele frequency attached by ClinVar (database versions not stated): gnomAD exomes below 0.00001; ExAC 0.00001.

Submissions (3):

Revvity Omics, Revvity
Classification: Pathogenic. Last evaluated: 2023-03-14. Review status: criteria provided, single submitter. Criteria: ACMG Guidelines, 2015. Collection method: clinical testing. Allele origin: germline.

SIB Swiss Institute of Bioinformatics
Classification: Pathogenic for Achondrogenesis, type IA. Last evaluated: 2019-06-27. Review status: criteria provided, single submitter. Criteria: ACMG Guidelines, 2015. Collection method: curation. Allele origin: unknown.
Comment: This variant is interpreted as a Pathogenic for Achondrogenesis 1A, autosomal recessive. The following ACMG Tag(s) were applied: PM2, PVS1, PS3.

OMIM
Classification: Pathogenic for ACHONDROGENESIS, TYPE IA. Last evaluated: 2010-01-21. Review status: no assertion criteria provided. Collection method: literature only. Allele origin: germline. Not counted in ClinVar's aggregate classification.

Literature cited by the submitters: PubMed 30728324 (cited by SIB Swiss Institute of Bioinformatics); PubMed 20089971 (cited by OMIM).